The following is an entry in ClinVar:

NM_000256.3(MYBPC3):c.2148G>A (p.Lys716=)

Gene: MYBPC3 (myosin binding protein C3; minus strand). Cytogenetic location: 11p11.2.
Variant type: single nucleotide variant.
Coding change: c.2148G>A on transcript NM_000256.3 (MANE Select); coding-DNA position 2148, G replaced by A.
Protein change: p.Lys716=; no amino-acid change (lysine 716 retained).
Molecular consequence: synonymous variant.
Genome position (GRCh38, 1-based): chr11:47,339,324, C>T on the plus strand (G>A on the coding strand, the complement: MYBPC3 is on the minus strand). VCF-style: chr11-47339324-C-T. GRCh37 (hg19) VCF-style: chr11-47360875-C-T.
Identifiers: ClinVar variation 1439526 (VCV001439526.1), dbSNP rs2142857247, ClinGen allele CA474217196.

ClinVar aggregate classification (germline): Uncertain significance (1 of 4 stars; one submission).

Conditions:
Hypertrophic cardiomyopathy. Also called: HYPERTROPHIC MYOCARDIOPATHY. Identifiers: Orphanet 217569, MedGen C0007194, MeSH D002312, MONDO:0005045, HP:0001639.

Submission:

Labcorp Genetics (formerly Invitae), Labcorp
Classification: Uncertain significance for Hypertrophic cardiomyopathy. Last evaluated: 2021-09-23. Review status: criteria provided, single submitter. Criteria: Invitae Variant Classification Sherloc (09022015). Collection method: clinical testing. Allele origin: germline.
Comment: This sequence change affects codon 716 of the MYBPC3 mRNA. It is a 'silent' change, meaning that it does not change the encoded amino acid sequence of the MYBPC3 protein. This variant also falls at the last nucleotide of exon 22, which is part of the consensus splice site for this exon. This variant is not present in population databases (ExAC no frequency). This variant has not been reported in the literature in individuals affected with MYBPC3-related conditions. Variants that disrupt the consensus splice site are a relatively common cause of aberrant splicing (PMID: 17576681, 9536098). Algorithms developed to predict the effect of sequence changes on RNA splicing suggest that this variant may disrupt the consensus splice site. In summary, the available evidence is currently insufficient to determine the role of this variant in disease. Therefore, it has been classified as a Variant of Uncertain Significance.

Literature cited by the submitters: PubMed 17576681; PubMed 9536098.